The following is an entry in ClinVar:

NM_016169.4(SUFU):c.1055C>G (p.Ser352Cys)

Gene: SUFU (SUFU negative regulator of hedgehog signaling; plus strand). Cytogenetic location: 10q24.32.
Variant type: single nucleotide variant.
Coding change: c.1055C>G on transcript NM_016169.4 (MANE Select); coding-DNA position 1055, C replaced by G.
Protein change: p.Ser352Cys; replaces serine 352 with cysteine.
Molecular consequence: missense variant.
Genome position (GRCh38, 1-based): chr10:102,615,300, C>G. VCF-style: chr10-102615300-C-G. GRCh37 (hg19) VCF-style: chr10-104375057-C-G.
Other names: c.1055C>G, p.Ser352Cys (NM_001178133.2); short protein forms S352C.
Identifiers: ClinVar variation 2936631 (VCV002936631.4), dbSNP rs1464341550, ClinGen allele CA377913832.
Genomic context (GRCh38, chr10:102,615,300, plus strand): 5'-CGAACCTTTTCCTGTGCTTGCTTCACAGGAGCCGCAAAGACAGCCTGGAAAGTGACAGCT[C>G]CACGGCCATCATTCCCCATGAGCTGATTCGCACGCGGCAGCTTGAGAGCGTACATCTGAA-3'
Protein context (NP_057253.2, residues 342-362): SRKDSLESDS[Ser352Cys]TAIIPHELIR

ClinVar aggregate classification (germline): Uncertain significance. Review status: criteria provided, multiple submitters, no conflicts (2 of 4 stars). 2 submissions from 2 submitters: Uncertain significance (2). Last evaluated 2024-09-16.

Conditions:
Medulloblastoma (MDB). Also called: Medulloblastoma, somatic; MEDULLOBLASTOMA PREDISPOSITION SYNDROME. Identifiers: Orphanet 616, MedGen C0025149, MeSH D008527, MONDO:0007959, OMIM 155255, HP:0002885.
Gorlin syndrome. Also called: Basal cell nevus syndrome; Nevoid Basal Cell Carcinoma Syndrome. Identifiers: Orphanet 377, MedGen C0004779, MONDO:0007187.
Hereditary cancer-predisposing syndrome. Also called: Neoplastic Syndromes, Hereditary; Tumor predisposition; Hereditary Cancer Syndrome; Hereditary neoplastic syndrome. Identifiers: Orphanet 140162, MedGen C0027672, MeSH D009386, MONDO:0015356.

gnomAD v4.1: 1 of 1,614,200 alleles (0.000062%); highest among the groups gnomAD compares: Non-Finnish European, 0.000085%; no homozygotes.

Submissions (2):

Ambry Genetics
Classification: Uncertain significance for Hereditary cancer-predisposing syndrome. Last evaluated: 2024-09-16. Review status: criteria provided, single submitter. Criteria: Ambry Variant Classification Scheme 2023. Collection method: clinical testing. Allele origin: germline.
Comment: The p.S352C variant (also known as c.1055C>G), located in coding exon 9 of the SUFU gene, results from a C to G substitution at nucleotide position 1055. The serine at codon 352 is replaced by cysteine, an amino acid with dissimilar properties. This amino acid position is conserved. In addition, this alteration is predicted to be tolerated by in silico analysis. Based on the available evidence, the clinical significance of this variant remains unclear.

Labcorp Genetics (formerly Invitae), Labcorp
Classification: Uncertain significance for Gorlin syndrome; Medulloblastoma. Last evaluated: 2023-12-11. Review status: criteria provided, single submitter. Criteria: Invitae Variant Classification Sherloc (09022015). Collection method: clinical testing. Allele origin: germline.
Comment: This sequence change replaces serine, which is neutral and polar, with cysteine, which is neutral and slightly polar, at codon 352 of the SUFU protein (p.Ser352Cys). This variant is not present in population databases (gnomAD no frequency). This variant has not been reported in the literature in individuals affected with SUFU-related conditions. Advanced modeling of protein sequence and biophysical properties (such as structural, functional, and spatial information, amino acid conservation, physicochemical variation, residue mobility, and thermodynamic stability) performed at Invitae indicates that this missense variant is not expected to disrupt SUFU protein function with a negative predictive value of 80%. In summary, the available evidence is currently insufficient to determine the role of this variant in disease. Therefore, it has been classified as a Variant of Uncertain Significance.